The following is an entry in ClinVar:

NM_001040142.2(SCN2A):c.1972G>C (p.Gly658Arg)

Gene: SCN2A (sodium voltage-gated channel alpha subunit 2; plus strand). Cytogenetic location: 2q24.3.
Variant type: single nucleotide variant.
Coding change: c.1972G>C on transcript NM_001040142.2 (MANE Select); coding-DNA position 1972, G replaced by C.
Protein change: p.Gly658Arg; replaces glycine 658 with arginine.
Molecular consequence: missense variant.
Genome position (GRCh38, 1-based): chr2:165,323,456, G>C. VCF-style: chr2-165323456-G-C. GRCh37 (hg19) VCF-style: chr2-166179966-G-C.
Other names: c.1972G>C, p.Gly658Arg (NM_001040143.2, NM_001371246.1, NM_001371247.1 and 1 more transcripts); short protein forms G658R.
Identifiers: ClinVar variation 2951404 (VCV002951404.3), dbSNP rs767183298, ClinGen allele CA59736938.

ClinVar aggregate classification (germline): Uncertain significance (1 of 4 stars; one submission).

Conditions:
Developmental and epileptic encephalopathy, 11 (DEE11). Also called: Early infantile epileptic encephalopathy 11. Identifiers: Orphanet 1934, MedGen C3150987, MONDO:0013388, OMIM 613721.
Seizures, benign familial infantile, 3 (BFIS3). Also called: Familial neonatal seizures; CONVULSIONS, BENIGN FAMILIAL INFANTILE, 3. Identifiers: Orphanet 140927, Orphanet 306, MedGen C1843140, MONDO:0011904, OMIM 607745.

Allele frequency attached by ClinVar (database versions not stated): TOPMed below 0.00001.
gnomAD v4.1: 1 of 1,613,788 alleles (0.000062%); highest among the groups gnomAD compares: East Asian, 0.0022%; no homozygotes.

Submission:

Labcorp Genetics (formerly Invitae), Labcorp
Classification: Uncertain significance for Seizures, benign familial infantile, 3; Developmental and epileptic encephalopathy, 11. Last evaluated: 2023-09-24. Review status: criteria provided, single submitter. Criteria: Invitae Variant Classification Sherloc (09022015). Collection method: clinical testing. Allele origin: germline.
Comment: This sequence change replaces glycine, which is neutral and non-polar, with arginine, which is basic and polar, at codon 658 of the SCN2A protein (p.Gly658Arg). This variant is not present in population databases (gnomAD no frequency). This variant has not been reported in the literature in individuals affected with SCN2A-related conditions. Advanced modeling of protein sequence and biophysical properties (such as structural, functional, and spatial information, amino acid conservation, physicochemical variation, residue mobility, and thermodynamic stability) has been performed at Invitae for this missense variant, however the output from this modeling did not meet the statistical confidence thresholds required to predict the impact of this variant on SCN2A protein function. In summary, the available evidence is currently insufficient to determine the role of this variant in disease. Therefore, it has been classified as a Variant of Uncertain Significance.